The following is an entry in ClinVar:

NM_004415.4(DSP):c.4636T>C (p.Ser1546Pro)

Gene: DSP (desmoplakin; plus strand). Cytogenetic location: 6p24.3.
Variant type: single nucleotide variant.
Coding change: c.4636T>C on transcript NM_004415.4 (MANE Select); coding-DNA position 4636, T replaced by C.
Protein change: p.Ser1546Pro; replaces serine 1546 with proline.
Molecular consequence: missense variant. On other transcripts: intron variant (2).
Genome position (GRCh38, 1-based): chr6:7,580,826, T>C. VCF-style: chr6-7580826-T-C. GRCh37 (hg19) VCF-style: chr6-7581059-T-C.
Other names: c.4050+586T>C (NM_001319034.2); c.3582+1054T>C (NM_001008844.3); short protein forms S1546P.
Identifiers: ClinVar variation 923592 (VCV000923592.8), dbSNP rs1280704171, ClinGen allele CA362686830.
Genomic context (GRCh38, chr6:7,580,826, plus strand): 5'-AACAAACTGAAGGTTCAGGAGCAAGAACTGACACGCCTGAGGATCGACTATGAAAGGGTT[T>C]CCCAGGAGAGGACTGTGAAGGACCAGGATATCACGCGGTTCCAGAACTCTCTGAAAGAGC-3'
Protein context (NP_004406.2, residues 1536-1556): TRLRIDYERV[Ser1546Pro]QERTVKDQDI

ClinVar aggregate classification (germline): Uncertain significance. Review status: criteria provided, multiple submitters, no conflicts (2 of 4 stars). 3 submissions from 3 submitters: Uncertain significance (3). Last evaluated 2024-03-06.

Conditions:
Arrhythmogenic cardiomyopathy with wooly hair and keratoderma. Also called: PALMOPLANTAR KERATODERMA WITH LEFT VENTRICULAR CARDIOMYOPATHY AND WOOLLY HAIR; Carvajal syndrome; Dilated cardiomyopathy with woolly hair and keratoderma; Arrhythmogenic cardiomyopathy with woolly hair and keratoderma. Identifiers: Orphanet 65282, MedGen C1854063, MONDO:0011581, OMIM 605676.
Cardiovascular phenotype. Identifiers: MedGen CN230736.
Cardiomyopathy (CMYO). Also called: Cardiomyopathies. Identifiers: Orphanet 167848, MedGen C0878544, MONDO:0004994, HP:0001638. Inheritance: Various modes of inheritance.

Allele frequency attached by ClinVar (database versions not stated): gnomAD exomes below 0.00001.
gnomAD v4.1: 2 of 1,614,090 alleles (0.00012%); highest among the groups gnomAD compares: Non-Finnish European, 0.00017%; no homozygotes.

Submissions (3):

Color Diagnostics, LLC DBA Color Health
Classification: Uncertain significance for Cardiomyopathy. Last evaluated: 2024-03-06. Review status: criteria provided, single submitter. Criteria: ACMG Guidelines, 2015. Collection method: clinical testing. Allele origin: germline.
Comment: This missense variant replaces serine with proline at codon 1546 of the DSP protein. Computational prediction suggests that this variant may not impact protein structure and function (internally defined REVEL score threshold <= 0.5, PMID: 27666373). To our knowledge, functional studies have not been reported for this variant. This variant has not been reported in individuals affected with DSP-related disorders in the literature. This variant has been identified in 1/250090 chromosomes in the general population by the Genome Aggregation Database (gnomAD). The available evidence is insufficient to determine the role of this variant in disease conclusively. Therefore, this variant is classified as a Variant of Uncertain Significance.

All of Us Research Program, National Institutes of Health
Classification: Uncertain significance for Arrhythmogenic cardiomyopathy with wooly hair and keratoderma. Last evaluated: 2023-05-04. Review status: criteria provided, single submitter. Criteria: ACMG Guidelines, 2015. Collection method: clinical testing. Allele origin: germline. Inheritance: Autosomal dominant inheritance. Observed: 1 variant allele, 1 heterozygote.
Comment: This missense variant replaces serine with proline at codon 1546 of the DSP protein. Computational prediction suggests that this variant may not impact protein structure and function (internally defined REVEL score threshold <= 0.5, PMID: 27666373). To our knowledge, functional studies have not been reported for this variant. This variant has not been reported in individuals affected with DSP-related disorders in the literature. This variant has been identified in 1/250090 chromosomes in the general population by the Genome Aggregation Database (gnomAD). The available evidence is insufficient to determine the role of this variant in disease conclusively. Therefore, this variant is classified as a Variant of Uncertain Significance.

This study involves interpretation of variants in research participants for the purpose of population health screening. Participant phenotype was not available at the time of variant classification. Additional details can be found in publication PMID: 35346344, PMCID: PMC8962531

Ambry Genetics
Classification: Uncertain significance for Cardiovascular phenotype. Last evaluated: 2021-11-09. Review status: criteria provided, single submitter. Criteria: Ambry Variant Classification Scheme 2023. Collection method: clinical testing. Allele origin: germline.